The following is an entry in ClinVar:

NM_024675.4(PALB2):c.733G>C (p.Ala245Pro)

Gene: PALB2 (partner and localizer of BRCA2; minus strand). Cytogenetic location: 16p12.2.
Variant type: single nucleotide variant.
Coding change: c.733G>C on transcript NM_024675.4 (MANE Select); coding-DNA position 733, G replaced by C.
Protein change: p.Ala245Pro; replaces alanine 245 with proline.
Molecular consequence: missense variant.
Genome position (GRCh38, 1-based): chr16:23,635,813, C>G on the plus strand (G>C on the coding strand, the complement: PALB2 is on the minus strand). VCF-style: chr16-23635813-C-G. GRCh37 (hg19) VCF-style: chr16-23647134-C-G.
Other names: short protein forms A245P.
Identifiers: ClinVar variation 318560 (VCV000318560.16), dbSNP rs886051831, ClinGen allele CA10643276.

ClinVar aggregate classification (germline): Uncertain significance. Review status: criteria provided, multiple submitters, no conflicts (2 of 4 stars). 2 submissions from 2 submitters: Uncertain significance (2). Last evaluated 2019-02-12.

Conditions:
Familial cancer of breast. Also called: BREAST CANCER, FAMILIAL; hereditary breast carcinoma; Hereditary breast cancer. Identifiers: Orphanet 227535, MedGen C0346153, MONDO:0016419, OMIM 114480. Disease mechanism: loss of function.
Fanconi anemia complementation group N. Also called: PALB2-Related Fanconi Anemia. Identifiers: Orphanet 84, MedGen C1835817, MONDO:0012565, OMIM 610832. Disease mechanism: loss of function.

gnomAD v4.1: 1 of 1,614,106 alleles (0.000062%); highest among the groups gnomAD compares: South Asian, 0.0011%; no homozygotes.

Submissions (2):

Labcorp Genetics (formerly Invitae), Labcorp
Classification: Uncertain significance for Familial cancer of breast. Last evaluated: 2019-02-12. Review status: criteria provided, single submitter. Criteria: Invitae Variant Classification Sherloc (09022015). Collection method: clinical testing. Allele origin: germline.
Comment: In summary, the available evidence is currently insufficient to determine the role of this variant in disease. Therefore, it has been classified as a Variant of Uncertain Significance. Algorithms developed to predict the effect of missense changes on protein structure and function (SIFT, PolyPhen-2, Align-GVGD) all suggest that this variant is likely to be tolerated, but these predictions have not been confirmed by published functional studies and their clinical significance is uncertain. This variant has not been reported in the literature in individuals with PALB2-related conditions. ClinVar contains an entry for this variant (Variation ID: 318560). This variant is not present in population databases (ExAC no frequency). This sequence change replaces alanine with proline at codon 245 of the PALB2 protein (p.Ala245Pro). The alanine residue is weakly conserved and there is a small physicochemical difference between alanine and proline.

Illumina Laboratory Services, Illumina
Classification: Uncertain significance for Fanconi anemia complementation group N. Last evaluated: 2018-01-12. Review status: criteria provided, single submitter. Criteria: ICSL Variant Classification Criteria 13 December 2019. Collection method: clinical testing. Allele origin: germline.